The following is an entry in ClinVar:

ClinVar aggregate classification (germline): Uncertain significance (1 of 4 stars; one submission).

Conditions:
Familial cold autoinflammatory syndrome 3 (FCAS3). Also called: ANTIBODY DEFICIENCY AND IMMUNE DYSREGULATION, PLCG2-ASSOCIATED; FAMILIAL ATYPICAL COLD URTICARIA. Identifiers: Orphanet 300359, MedGen C3280914, MONDO:0013766, OMIM 614468.

Allele frequency attached by ClinVar (database versions not stated): TOPMed below 0.00001; gnomAD 0.00001 and 0.00002; gnomAD exomes 0.00001; ExAC 0.00002; 1000 Genomes Project 30x 0.00016.
gnomAD v4.1: 8 of 1,614,106 alleles (0.0005%); highest among the groups gnomAD compares: East Asian, 0.016%; no homozygotes.

Submission:

Labcorp Genetics (formerly Invitae), Labcorp
Classification: Uncertain significance for Familial cold autoinflammatory syndrome 3. Last evaluated: 2025-09-02. Review status: criteria provided, single submitter. Criteria: Invitae Variant Classification Sherloc (09022015). Collection method: clinical testing. Allele origin: germline.
Comment: This sequence change replaces lysine, which is basic and polar, with arginine, which is basic and polar, at codon 476 of the PLCG2 protein (p.Lys476Arg). This variant is present in population databases (rs781145125, gnomAD 0.02%). This variant has not been reported in the literature in individuals affected with PLCG2-related conditions. ClinVar contains an entry for this variant (Variation ID: 643739). An algorithm developed to predict the effect of missense changes on protein structure and function outputs the following: PolyPhen-2: "Benign". The arginine amino acid residue is found in multiple mammalian species, which suggests that this missense change does not adversely affect protein function. In summary, the available evidence is currently insufficient to determine the role of this variant in disease. Therefore, it has been classified as a Variant of Uncertain Significance.

NM_002661.5(PLCG2):c.1427A>G (p.Lys476Arg)

Gene: PLCG2 (phospholipase C gamma 2; plus strand). Cytogenetic location: 16q23.3.
Variant type: single nucleotide variant.
Coding change: c.1427A>G on transcript NM_002661.5 (MANE Select); coding-DNA position 1427, A replaced by G.
Protein change: p.Lys476Arg; replaces lysine 476 with arginine.
Molecular consequence: missense variant.
Genome position (GRCh38, 1-based): chr16:81,905,467, A>G. VCF-style: chr16-81905467-A-G. GRCh37 (hg19) VCF-style: chr16-81939072-A-G.
Other names: short protein forms K476R.
Identifiers: ClinVar variation 643739 (VCV000643739.9), dbSNP rs781145125, ClinGen allele CA8193752.
Genomic context (GRCh38, chr16:81,905,467, plus strand): 5'-AGAAGCTGGGCCCCCGAGGCGATGTGGATGTCAACATGGAGGACAAGAAGGACGAACACA[A>G]GCAACAGGGGGAGCTGTACATGTGGGATTCCATTGACCAGGTGGGCCTTGGTCCCTTCCC-3'
Protein context (NP_002652.2, residues 466-486): VNMEDKKDEH[Lys476Arg]QQGELYMWDS